The following is an entry in ClinVar:

ClinVar aggregate classification (germline): Uncertain significance. Review status: criteria provided, multiple submitters, no conflicts (2 of 4 stars). 3 submissions from 3 submitters: Uncertain significance (2). 1 of the submissions does not count toward it. Last evaluated 2022-11-12.

Conditions:
Pulmonary fibrosis and/or bone marrow failure, Telomere-related, 4. Also called: PULMONARY FIBROSIS AND/OR BONE MARROW FAILURE SYNDROME, TELOMERE-RELATED, 4. Identifiers: Orphanet 2032, MedGen C4225347, MONDO:0014612, OMIM 616371.
Dyskeratosis congenita, autosomal recessive 6 (DKCB6). Identifiers: MedGen C4225356, MONDO:0014600, OMIM 616353.

Allele frequency attached by ClinVar (database versions not stated): ExAC 0.00001; gnomAD exomes 0.00001.

Submissions (3):

Labcorp Genetics (formerly Invitae), Labcorp
Classification: Uncertain significance for Dyskeratosis congenita, autosomal recessive 6; Pulmonary fibrosis and/or bone marrow failure, Telomere-related, 4. Last evaluated: 2022-11-12. Review status: criteria provided, single submitter. Criteria: Invitae Variant Classification Sherloc (09022015). Collection method: clinical testing. Allele origin: germline.
Comment: This sequence change replaces lysine, which is basic and polar, with arginine, which is basic and polar, at codon 421 of the PARN protein (p.Lys421Arg). This variant is present in population databases (rs777090017, gnomAD 0.002%). This missense change has been observed in individual(s) with pulmonary fibrosis (PMID: 25848748). ClinVar contains an entry for this variant (Variation ID: 190471). Algorithms developed to predict the effect of missense changes on protein structure and function are either unavailable or do not agree on the potential impact of this missense change (SIFT: "Tolerated"; PolyPhen-2: "Possibly Damaging"; Align-GVGD: "Class C0"). In summary, the available evidence is currently insufficient to determine the role of this variant in disease. Therefore, it has been classified as a Variant of Uncertain Significance.

Blueprint Genetics
Classification: Uncertain significance. Last evaluated: 2021-06-10. Review status: criteria provided, single submitter. Criteria: ACMG Guidelines, 2015. Collection method: clinical testing. Allele origin: germline.

OMIM
Classification: Pathogenic for PULMONARY FIBROSIS AND/OR BONE MARROW FAILURE SYNDROME, TELOMERE-RELATED, 4. Last evaluated: 2015-05-01. Review status: no assertion criteria provided. Collection method: literature only. Allele origin: germline. Not counted in ClinVar's aggregate classification.

Literature cited by the submitters: PubMed 25848748 (cited by Labcorp Genetics (formerly Invitae), Labcorp and OMIM).

NM_002582.4(PARN):c.1262A>G (p.Lys421Arg)

Gene: PARN (poly(A)-specific ribonuclease; minus strand). Cytogenetic location: 16p13.12.
Variant type: single nucleotide variant.
Coding change: c.1262A>G on transcript NM_002582.4 (MANE Select); coding-DNA position 1262, A replaced by G.
Protein change: p.Lys421Arg; replaces lysine 421 with arginine.
Molecular consequence: missense variant.
Genome position (GRCh38, 1-based): chr16:14,580,874, T>C on the plus strand (A>G on the coding strand, the complement: PARN is on the minus strand). VCF-style: chr16-14580874-T-C. GRCh37 (hg19) VCF-style: chr16-14674731-T-C.
Other names: c.1262A>G, p.Lys421Arg (LRG_1286t1); c.1079A>G, p.Lys360Arg (NM_001134477.3); c.1124A>G, p.Lys375Arg (NM_001242992.2); short protein forms K421R, K360R, K375R.
Identifiers: ClinVar variation 190471 (VCV000190471.6), dbSNP rs777090017, ClinGen allele CA7912102.